The following is an entry in ClinVar:

NM_002471.4(MYH6):c.4846G>C (p.Val1616Leu)

Genes: MYH6 (myosin heavy chain 6; minus strand), LOC126861896 (BRD4-independent group 4 enhancer GRCh37_chr14:23854904-23856103; plus strand). Cytogenetic location: 14q11.2.
Variant type: single nucleotide variant.
Coding change: c.4846G>C on transcript NM_002471.4 (MANE Select); coding-DNA position 4846, G replaced by C.
Protein change: p.Val1616Leu; replaces valine 1616 with leucine.
Molecular consequence: missense variant.
Genome position (GRCh38, 1-based): chr14:23,386,428, C>G on the plus strand (G>C on the coding strand, the complement: MYH6 is on the minus strand). VCF-style: chr14-23386428-C-G. GRCh37 (hg19) VCF-style: chr14-23855637-C-G.
Other names: short protein forms V1616L.
Identifiers: ClinVar variation 1022242 (VCV001022242.9), dbSNP rs372923261, ClinGen allele CA388991572.

ClinVar aggregate classification (germline): Uncertain significance (1 of 4 stars; one submission).

Conditions:
Hypertrophic cardiomyopathy 14. Identifiers: MedGen C2750467, MONDO:0013197, OMIM 613251.

Submission:

Labcorp Genetics (formerly Invitae), Labcorp
Classification: Uncertain significance for Hypertrophic cardiomyopathy 14. Last evaluated: 2020-05-04. Review status: criteria provided, single submitter. Criteria: Invitae Variant Classification Sherloc (09022015). Collection method: clinical testing. Allele origin: germline.
Comment: This variant has not been reported in the literature in individuals with MYH6-related conditions. In summary, the available evidence is currently insufficient to determine the role of this variant in disease. Therefore, it has been classified as a Variant of Uncertain Significance. Algorithms developed to predict the effect of missense changes on protein structure and function (SIFT, PolyPhen-2, Align-GVGD) all suggest that this variant is likely to be tolerated, but these predictions have not been confirmed by published functional studies and their clinical significance is uncertain. This variant is not present in population databases (ExAC no frequency). This sequence change replaces valine with leucine at codon 1616 of the MYH6 protein (p.Val1616Leu). The valine residue is weakly conserved and there is a small physicochemical difference between valine and leucine.